The following is an entry in ClinVar:

ClinVar aggregate classification (germline): Uncertain significance. Review status: criteria provided, multiple submitters, no conflicts (2 of 4 stars). 2 submissions from 2 submitters: Uncertain significance (2). Last evaluated 2026-03-11.

Conditions:
COL18A1-related disorder. Also called: COL18A1-related disorders; COL18A1-related condition.

Allele frequency attached by ClinVar (database versions not stated): TOPMed 0.00003; gnomAD 0.00004.
gnomAD v4.1: 51 of 1,613,948 alleles (0.0032%); highest among the groups gnomAD compares: South Asian, 0.012%; no homozygotes.

Submissions (2):

PreventionGenetics, part of Exact Sciences
Classification: Uncertain significance for COL18A1-related condition. Last evaluated: 2026-03-11. Review status: criteria provided, single submitter. Criteria: ACMG Guidelines, 2015. Collection method: clinical testing. Allele origin: germline.
Comment: The COL18A1 c.1990C>T variant is predicted to result in the amino acid substitution p.Arg664Trp. To our knowledge, this variant has not been reported in the literature. This variant is reported in 0.020% of alleles in individuals of South Asian descent in gnomAD. At this time, the clinical significance of this variant is uncertain due to the absence of conclusive functional and genetic evidence.

Labcorp Genetics (formerly Invitae), Labcorp
Classification: Uncertain significance. Last evaluated: 2022-08-02. Review status: criteria provided, single submitter. Criteria: Invitae Variant Classification Sherloc (09022015). Collection method: clinical testing. Allele origin: germline.
Comment: This sequence change replaces arginine, which is basic and polar, with tryptophan, which is neutral and slightly polar, at codon 484 of the COL18A1 protein (p.Arg484Trp). This variant is present in population databases (rs755768318, gnomAD 0.02%). This variant has not been reported in the literature in individuals affected with COL18A1-related conditions. Experimental studies and prediction algorithms are not available or were not evaluated, and the functional significance of this variant is currently unknown. In summary, the available evidence is currently insufficient to determine the role of this variant in disease. Therefore, it has been classified as a Variant of Uncertain Significance.

NM_001379500.1(COL18A1):c.1450C>T (p.Arg484Trp)

Gene: COL18A1 (collagen type XVIII alpha 1 chain; plus strand). Cytogenetic location: 21q22.3.
Variant type: single nucleotide variant.
Coding change: c.1450C>T on transcript NM_001379500.1 (MANE Select); coding-DNA position 1450, C replaced by T.
Protein change: p.Arg484Trp; replaces arginine 484 with tryptophan.
Molecular consequence: missense variant.
Genome position (GRCh38, 1-based): chr21:45,480,518, C>T. VCF-style: chr21-45480518-C-T. GRCh37 (hg19) VCF-style: chr21-46900432-C-T.
Other names: c.1990C>T (NM_030582.3); c.1990C>T, p.Arg664Trp (NM_030582.4); c.2695C>T, p.Arg899Trp (NM_130444.3); short protein forms R899W, R484W, R664W.
Identifiers: ClinVar variation 1910727 (VCV001910727.3), dbSNP rs755768318, ClinGen allele CA10066319.